The following is an entry in ClinVar:

NM_001267550.2(TTN):c.11312-4881C>T

Gene: TTN (titin; minus strand). Cytogenetic location: 2q31.2.
Variant type: single nucleotide variant.
Coding change: c.11312-4881C>T on transcript NM_001267550.2 (MANE Select); 4881 bases into the intron before coding-DNA position 11312, C replaced by T.
Molecular consequence: intron variant. On other transcripts: synonymous variant (1).
Genome position (GRCh38, 1-based): chr2:178,746,802, G>A on the plus strand (C>T on the coding strand, the complement: TTN is on the minus strand). VCF-style: chr2-178746802-G-A. GRCh37 (hg19) VCF-style: chr2-179611529-G-A.
Other names: c.15598C>T, p.Leu5200= (NM_133379.5); c.10223-4881C>T (NM_003319.4); c.10799-4881C>T (NM_133437.4); c.10598-4881C>T (NM_133432.3); c.10360+6322C>T (NM_133378.4); c.10361-4881C>T (NM_001256850.1).
Identifiers: ClinVar variation 3905926 (VCV003905926.10).

ClinVar aggregate classification (germline): Likely benign (1 of 4 stars; one submission).

gnomAD v4.1: 3 of 1,613,406 alleles (0.00019%); highest among the groups gnomAD compares: South Asian, 0.0033%; no homozygotes.

Submission:

CeGaT Center for Human Genetics Tuebingen
Classification: Likely benign. Last evaluated: 2025-05-01. Review status: criteria provided, single submitter. Criteria: CeGaT Center For Human Genetics Tuebingen Variant Classification Criteria Version 2. Collection method: clinical testing. Allele origin: germline. Affected: yes. Observed: 1 variant allele.
Comment: TTN: BP4, BP7